The following is an entry in ClinVar:

ClinVar aggregate classification (germline): Uncertain significance. Review status: criteria provided, multiple submitters, no conflicts (2 of 4 stars). 5 submissions from 4 submitters: Uncertain significance (4). 1 of the submissions does not count toward it. Last evaluated 2023-11-04.

Conditions:
Inborn genetic diseases. Identifiers: MedGen C0950123, MeSH D030342.
Retinitis pigmentosa 39 (RP39). Identifiers: Orphanet 791, MedGen C3151138, MONDO:0013436, OMIM 613809.
Usher syndrome type 2A. Also called: RETINAL DISEASE IN USHER SYNDROME TYPE IIA, MODIFIER OF; USHER SYNDROME, TYPE IIA. Identifiers: Orphanet 231178, Orphanet 886, MedGen C1848634, MONDO:0010169, OMIM 276901.

Allele frequency attached by ClinVar (database versions not stated): gnomAD exomes 0.00001; ExAC 0.00002; gnomAD 0.00003 and 0.00004; TOPMed 0.00006; ESP Exome Variant Server 0.00008.
gnomAD v4.1: 12 of 1,613,624 alleles (0.00074%); highest among the groups gnomAD compares: African/African-American, 0.015%; no homozygotes.

Submissions (5):

Genome-Nilou Lab
Classification: Uncertain significance for Retinitis pigmentosa 39. Last evaluated: 2023-11-04. Review status: criteria provided, single submitter. Criteria: ACMG Guidelines, 2015. Collection method: clinical testing. Allele origin: germline. Affected: no.

Genome-Nilou Lab
Classification: Uncertain significance for Usher syndrome type 2A. Last evaluated: 2023-11-04. Review status: criteria provided, single submitter. Criteria: ACMG Guidelines, 2015. Collection method: clinical testing. Allele origin: germline. Affected: no.

Labcorp Genetics (formerly Invitae), Labcorp
Classification: Uncertain significance. Last evaluated: 2022-02-02. Review status: criteria provided, single submitter. Criteria: Invitae Variant Classification Sherloc (09022015). Collection method: clinical testing. Allele origin: germline.
Comment: This sequence change replaces tryptophan, which is neutral and slightly polar, with arginine, which is basic and polar, at codon 2133 of the USH2A protein (p.Trp2133Arg). This variant is present in population databases (rs370643158, gnomAD 0.01%). This variant has not been reported in the literature in individuals affected with USH2A-related conditions. ClinVar contains an entry for this variant (Variation ID: 1063582). Algorithms developed to predict the effect of missense changes on protein structure and function output the following: SIFT: "Tolerated"; PolyPhen-2: "Benign"; Align-GVGD: "Class C0". The arginine amino acid residue is found in multiple mammalian species, which suggests that this missense change does not adversely affect protein function. In summary, the available evidence is currently insufficient to determine the role of this variant in disease. Therefore, it has been classified as a Variant of Uncertain Significance.

Ambry Genetics
Classification: Uncertain significance for Inborn genetic diseases. Last evaluated: 2021-08-17. Review status: criteria provided, single submitter. Criteria: Ambry Variant Classification Scheme 2023. Collection method: clinical testing. Allele origin: germline.

Natera, Inc.
Classification: Uncertain significance for Usher syndrome type 2A. Last evaluated: 2020-01-17. Review status: no assertion criteria provided. Collection method: clinical testing. Allele origin: germline. Not counted in ClinVar's aggregate classification.

NM_206933.4(USH2A):c.6397T>C (p.Trp2133Arg)

Gene: USH2A (usherin; minus strand). Cytogenetic location: 1q41.
Variant type: single nucleotide variant.
Coding change: c.6397T>C on transcript NM_206933.4 (MANE Select); coding-DNA position 6397, T replaced by C.
Protein change: p.Trp2133Arg; replaces tryptophan 2133 with arginine.
Molecular consequence: missense variant.
Genome position (GRCh38, 1-based): chr1:216,000,491, A>G on the plus strand (T>C on the coding strand, the complement: USH2A is on the minus strand). VCF-style: chr1-216000491-A-G. GRCh37 (hg19) VCF-style: chr1-216173833-A-G.
Other names: c.6397T>C (NM_206933.2); short protein forms W2133R.
Identifiers: ClinVar variation 1063582 (VCV001063582.8), dbSNP rs370643158, ClinGen allele CA1395151.
Genomic context (GRCh38, chr1:216,000,491, plus strand): 5'-CAGTCAGAACTGGGGAATCCACGTGTTCTGGTGGCAGCTGTGCTGTGTACAGTAGGACCC[A>G]GGAACTGTTTGTACAGCCCACATGTGTGCATGCACTTAGTAGAAACTGGTGGGGTGTAAA-3'
Protein context (NP_996816.3, residues 2123-2143): CTHVGCTNSS[Trp2133Arg]VLLYTAQLPP